The following is an entry in ClinVar:

ClinVar aggregate classification (germline): Uncertain significance (1 of 4 stars; one submission).

Submission:

Labcorp Genetics (formerly Invitae), Labcorp
Classification: Uncertain significance. Last evaluated: 2024-12-05. Review status: criteria provided, single submitter. Criteria: Invitae Variant Classification Sherloc (09022015). Collection method: clinical testing. Allele origin: germline.
Comment: This variant, c.2212_2214del, results in the deletion of 1 amino acid(s) of the MUT protein (p.Asp738del), but otherwise preserves the integrity of the reading frame. This variant is not present in population databases (gnomAD no frequency). This variant has been observed in individual(s) with clinical features of methylmalonic aciduria (internal data). Experimental studies and prediction algorithms are not available or were not evaluated, and the functional significance of this variant is currently unknown. In summary, the available evidence is currently insufficient to determine the role of this variant in disease. Therefore, it has been classified as a Variant of Uncertain Significance.

NM_000255.4(MMUT):c.2209GAT[1] (p.Asp738del)

Gene: MMUT (methylmalonyl-CoA mutase; minus strand). Cytogenetic location: 6p12.3.
Variant type: Microsatellite.
Coding change: c.2209GAT[1] on transcript NM_000255.4 (MANE Select); one copy of the 3-base unit GAT starting at c.2209; the reference has two copies in a row; one copy, 3 bases deleted.
Protein change: p.Asp738del; deletes aspartic acid 738.
Molecular consequence: inframe deletion.
Genome position (GRCh38, 1-based): chr6:49,431,767-49,431,769, ATC deleted on the plus strand (GAT on the coding strand, the reverse complement: MMUT is on the minus strand); deleting any 3 consecutive bases within chr6:49,431,767-49,431,773 gives the same sequence; the position shown is the placement nearest the transcript's 3' end. VCF-style (leftmost placement, unchanged base first): chr6-49431766-TATC-T. GRCh37 (hg19) VCF-style: chr6-49399479-TATC-T.
Other names: short protein forms D738del.
Identifiers: ClinVar variation 3617374 (VCV003617374.2).